The following is an entry in ClinVar:

ClinVar aggregate classification (germline): Conflicting classifications of pathogenicity. Review status: criteria provided, conflicting classifications (1 of 4 stars). 6 submissions from 6 submitters: Likely pathogenic (1); Uncertain significance (5). Last evaluated 2025-07-24.

Conditions:
RYR2-related disorder. Also called: RYR2-related condition.
Cardiovascular phenotype. Identifiers: MedGen CN230736.
Catecholaminergic polymorphic ventricular tachycardia (CVPT). Also called: Catecholamine-induced polymorphic ventricular tachycardia. Identifiers: Orphanet 3286, MedGen C5574922, MONDO:0017990.
Cardiomyopathy (CMYO). Also called: Cardiomyopathies. Identifiers: Orphanet 167848, MedGen C0878544, MONDO:0004994, HP:0001638. Inheritance: Various modes of inheritance.
Catecholaminergic polymorphic ventricular tachycardia 1. Also called: VENTRICULAR TACHYCARDIA, CATECHOLAMINERGIC POLYMORPHIC, 1, WITH OR WITHOUT ATRIAL DYSFUNCTION AND/OR DILATED CARDIOMYOPATHY; RYR2-Related Catecholaminergic Polymorphic Ventricular Tachycardia; VENTRICULAR TACHYCARDIA, STRESS-INDUCED POLYMORPHIC 1. Identifiers: Orphanet 3286, MedGen C1631597, MONDO:0011484, OMIM 604772.

Allele frequency attached by ClinVar (database versions not stated): gnomAD exomes below 0.00001; TOPMed below 0.00001; gnomAD 0.00001.
gnomAD v4.1: 6 of 1,612,776 alleles (0.00037%); highest among the groups gnomAD compares: African/African-American, 0.0013%; no homozygotes.

Submissions (6):

Ambry Genetics
Classification: Uncertain significance for Cardiovascular phenotype. Last evaluated: 2025-07-24. Review status: criteria provided, single submitter. Criteria: Ambry Variant Classification Scheme 2023. Collection method: clinical testing. Allele origin: germline.
Comment: The p.R332W variant (also known as c.994C>T), located in coding exon 12 of the RYR2 gene, results from a C to T substitution at nucleotide position 994. The arginine at codon 332 is replaced by tryptophan, an amino acid with dissimilar properties. This variant was reported in individual(s) with features consistent with catecholaminergic polymorphic ventricular tachycardia (Medeiros-Domingo A et al. J Am Coll Cardiol, 2009 Nov;54:2065-74; Kapplinger JD et al. Circ Genom Precis Med, 2018 Feb;11:e001424). This amino acid position is highly conserved in available vertebrate species. In addition, this alteration is predicted to be deleterious by in silico analysis. Based on the available evidence, the clinical significance of this variant remains unclear.

All of Us Research Program, National Institutes of Health
Classification: Uncertain significance for Catecholaminergic polymorphic ventricular tachycardia. Last evaluated: 2024-08-06. Review status: criteria provided, single submitter. Criteria: ACMG Guidelines, 2015. Collection method: clinical testing. Allele origin: germline. Inheritance: Autosomal dominant inheritance. Observed: 5 variant alleles, 5 heterozygotes.
Comment: This missense variant replaces arginine with tryptophan at codon 332 of the RYR2 protein. Computational prediction suggests that this variant may have deleterious impact on protein structure and function (internally defined REVEL score threshold >= 0.7, PMID: 27666373). To our knowledge, functional studies have not been reported for this variant. This variant has been reported in two individuals affected with and three suspected of having catecholaminergic polymorphic ventricular tachycardia (PMID: 19926015, 24136861, 29453246). This variant has not been identified in the general population by the Genome Aggregation Database (gnomAD). The available evidence is insufficient to determine the role of this variant in disease conclusively. Therefore, this variant is classified as a Variant of Uncertain Significance.

This study involves interpretation of variants in research participants for the purpose of population health screening. Participant phenotype was not available at the time of variant classification. Additional details can be found in publication PMID: 35346344, PMCID: PMC8962531

Labcorp Genetics (formerly Invitae), Labcorp
Classification: Uncertain significance for Catecholaminergic polymorphic ventricular tachycardia 1. Last evaluated: 2023-10-03. Review status: criteria provided, single submitter. Criteria: Invitae Variant Classification Sherloc (09022015). Collection method: clinical testing. Allele origin: germline.
Comment: This sequence change replaces arginine, which is basic and polar, with tryptophan, which is neutral and slightly polar, at codon 332 of the RYR2 protein (p.Arg332Trp). This variant is not present in population databases (gnomAD no frequency). This missense change has been observed in individual(s) with clinical features of RYR2-related disease (PMID: 19926015, 29453246; Invitae). ClinVar contains an entry for this variant (Variation ID: 229228). Advanced modeling of protein sequence and biophysical properties (such as structural, functional, and spatial information, amino acid conservation, physicochemical variation, residue mobility, and thermodynamic stability) performed at Invitae indicates that this missense variant is expected to disrupt RYR2 protein function. This variant disrupts the p.Arg332 amino acid residue in RYR2. Other variant(s) that disrupt this residue have been observed in individuals with RYR2-related conditions (PMID: 31112425), which suggests that this may be a clinically significant amino acid residue. In summary, the available evidence is currently insufficient to determine the role of this variant in disease. Therefore, it has been classified as a Variant of Uncertain Significance.

Color Diagnostics, LLC DBA Color Health
Classification: Uncertain significance for Cardiomyopathy. Last evaluated: 2023-03-21. Review status: criteria provided, single submitter. Criteria: ACMG Guidelines, 2015. Collection method: clinical testing. Allele origin: germline.
Comment: This missense variant replaces arginine with tryptophan at codon 332 of the RYR2 protein. Computational prediction suggests that this variant may have deleterious impact on protein structure and function (internally defined REVEL score threshold >= 0.7, PMID: 27666373). To our knowledge, functional studies have not been reported for this variant. This variant has been reported in two individuals affected with and three suspected of having catecholaminergic polymorphic ventricular tachycardia (PMID: 19926015, 24136861, 29453246). This variant has not been identified in the general population by the Genome Aggregation Database (gnomAD). The available evidence is insufficient to determine the role of this variant in disease conclusively. Therefore, this variant is classified as a Variant of Uncertain Significance.

Blueprint Genetics
Classification: Likely pathogenic for RYR2-related disorders. Last evaluated: 2022-07-08. Review status: criteria provided, single submitter. Criteria: ACMG Guidelines, 2015. Collection method: clinical testing. Allele origin: germline. Affected: yes. Observed: 1 variant allele.

Laboratory for Molecular Medicine, Mass General Brigham Personalized Medicine
Classification: Uncertain significance. Last evaluated: 2015-04-13. Review status: criteria provided, single submitter. Criteria: LMM Criteria. Collection method: clinical testing. Allele origin: germline. Observed: 1 variant allele.
Comment: Variant classified as Uncertain Significance - Favor Pathogenic. The p.Arg332Trp variant in RYR2 has been reported in 1 individual with CPVT (Medeiros-Domingo 2 009) and was absent from large population studies. This variant is located in a functionally important domain of the RYR2 protein known to harbor other CPVT ass ociated variants (Baggatin 2004, Postma 2005), increasing the likelihood that it is disease causing. Computational prediction tools and conservation analysis su ggest that this variant may impact the protein, though this information is not p redictive enough to determine pathogenicity. In summary, while there is some sus picion for a pathogenic role, the clinical significance of the p.Arg332Trp varia nt is uncertain.

Literature cited by the submitters: PubMed 19926015 (cited by 5 submitters); PubMed 29453246 (cited by 4 submitters); PubMed 24136861 (cited by 3 submitters); PubMed 31112425 (cited by Labcorp Genetics (formerly Invitae), Labcorp); PubMed 24025405 (cited by Laboratory for Molecular Medicine, Mass General Brigham Personalized Medicine); PubMed 15131021 (cited by Laboratory for Molecular Medicine, Mass General Brigham Personalized Medicine); PubMed 16272262 (cited by Laboratory for Molecular Medicine, Mass General Brigham Personalized Medicine).

NM_001035.3(RYR2):c.994C>T (p.Arg332Trp)

Gene: RYR2 (ryanodine receptor 2; plus strand). Cytogenetic location: 1q43.
Variant type: single nucleotide variant.
Coding change: c.994C>T on transcript NM_001035.3 (MANE Select); coding-DNA position 994, C replaced by T.
Protein change: p.Arg332Trp; replaces arginine 332 with tryptophan.
Molecular consequence: missense variant.
Genome position (GRCh38, 1-based): chr1:237,423,237, C>T. VCF-style: chr1-237423237-C-T. GRCh37 (hg19) VCF-style: chr1-237586537-C-T.
Other names: short protein forms R332W.
Identifiers: ClinVar variation 229228 (VCV000229228.17), dbSNP rs876657995, ClinGen allele CA10576397.